The following is an entry in ClinVar:

NM_004006.3(DMD):c.*2039C>A

Gene: DMD (dystrophin; minus strand). Cytogenetic location: Xp21.2.
Variant type: single nucleotide variant.
Coding change: c.*2039C>A on transcript NM_004006.3 (MANE Select); 2039 bases downstream of the stop codon, C replaced by A.
Molecular consequence: 3 prime UTR variant.
Genome position (GRCh38, 1-based): chrX:31,119,880, G>T on the plus strand (C>A on the coding strand, the complement: DMD is on the minus strand). VCF-style: chrX-31119880-G-T. GRCh37 (hg19) VCF-style: chrX-31137997-G-T.
Other names: NC_000023.10:g.31137997G>T; c.*2039C>A (NM_000109.4, NM_004009.3, NM_004010.3 and 7 more transcripts); c.*1953C>A (NM_004016.3, NM_004018.3, NM_004021.3 and 2 more transcripts).
Identifiers: ClinVar variation 368203 (VCV000368203.6), dbSNP rs72466523, ClinGen allele CA10651820.
Genomic context (GRCh38, chrX:31,119,880, plus strand): 5'-AATTTGGTAATTTGTTACCTTAGAGCTTTGGGTTTTCTTTTGAAAATTATGAAGGAAAAA[G>T]AAAGAATTATAAAGGAAAAAGAAAATAACGCAATGGACAAGTGGTGAAGCTGTGAACTCA-3'

ClinVar aggregate classification (germline): Likely benign (1 of 4 stars; one submission).

Conditions:
Dilated cardiomyopathy 3B (CMD3B). Also called: CMD3B: DMD-Related Dilated Cardiomyopathy; CARDIOMYOPATHY, DILATED, X-LINKED; DMD-Associated Dilated Cardiomyopathy. Identifiers: Orphanet 154, MedGen C3668940, MONDO:0010542, OMIM 302045.

Allele frequency attached by ClinVar (database versions not stated): gnomAD 0.00298 and 0.00642; gnomAD exomes 0.00344; TOPMed 0.00546; 1000 Genomes Project 0.04424.
gnomAD v4.1: 725 of 111,776 alleles (0.65%); highest among the groups gnomAD compares: South Asian, 10%; 21 homozygotes.

Submissions (6):

Illumina Laboratory Services, Illumina
Classification: Likely benign for Dilated cardiomyopathy 3B. Last evaluated: 2017-04-27. Review status: criteria provided, single submitter. Criteria: ICSL Variant Classification Criteria 13 December 2019. Collection method: clinical testing. Allele origin: germline.
Comment: This variant was observed as part of a predisposition screen in an ostensibly healthy population. A literature search was performed for the gene, cDNA change, and amino acid change (where applicable). Publications were found based on this search. The evidence from the literature, in combination with allele frequency data from public databases where available, was sufficient to determine this variant is unlikely to cause disease. Therefore, this variant is classified as likely benign.

Dr. Peter K. Rogan Lab, Western University
No classification provided (evidence only). Condition: Malignant tumor of esophagus. Review status: no classification provided. Collection method: in vitro. Allele origin: not applicable. Functional consequence: retained intron. Not counted in ClinVar's aggregate classification.

Dr. Peter K. Rogan Lab, Western University
No classification provided (evidence only). Condition: Malignant tumor of esophagus. Review status: no classification provided. Collection method: in vitro. Allele origin: not applicable. Functional consequence: retained intron. Not counted in ClinVar's aggregate classification.

Dr. Peter K. Rogan Lab, Western University
No classification provided (evidence only). Condition: Sarcoma. Review status: no classification provided. Collection method: in vitro. Allele origin: not applicable. Functional consequence: retained intron. Not counted in ClinVar's aggregate classification.

Dr. Peter K. Rogan Lab, Western University
No classification provided (evidence only). Condition: Thymoma. Review status: no classification provided. Collection method: in vitro. Allele origin: not applicable. Functional consequence: retained intron. Not counted in ClinVar's aggregate classification.

Dr. Peter K. Rogan Lab, Western University
No classification provided (evidence only). Condition: Malignant tumor of esophagus. Review status: no classification provided. Collection method: in vitro. Allele origin: not applicable. Functional consequence: retained intron. Not counted in ClinVar's aggregate classification.

Literature cited by the submitters: PubMed 19937601 (cited by Illumina Laboratory Services, Illumina).